The following is an entry in ClinVar:

GRCh38/hg38 22q11.23(chr22:23414627-24563859)x3

Genes: ADORA2A (adenosine A2a receptor; plus strand), ADORA2A-AS1 (ADORA2A antisense RNA 1; minus strand), C22orf15 (chromosome 22 open reading frame 15; plus strand), CABIN1 (calcineurin binding protein 1; plus strand), CHCHD10 (coiled-coil-helix-coiled-coil-helix domain containing 10; minus strand) and 71 more. Cytogenetic location: 22q11.23.
Variant type: copy number gain.
Change: copy number 3 (three copies instead of two) of chr22:23,414,627-24,563,859 (1.15 Mb, GRCh38 coordinates, 1-based), cytogenetic band 22q11.23.
Identifiers: ClinVar variation 59346 (VCV000059346.1).

ClinVar aggregate classification (germline): Uncertain significance (1 of 4 stars; one submission).

Submission:

ISCA site 14
Classification: Uncertain significance. Last evaluated: 2011-08-12. Review status: criteria provided, single submitter. Criteria: Kaminsky et al. (Genet Med. 2011). Collection method: clinical testing. Allele origin: unknown. Affected: yes. Observed: 1 variant allele.
Comment: Copy number variation identified through the course of routine clinical cytogenomic testing in postnatal populations. Clinical assertions have been curated as described in Kaminsky et al. 2011.